The following is an entry in ClinVar:

ClinVar aggregate classification (germline): Uncertain significance (1 of 4 stars; one submission).

Conditions:
Cardiovascular phenotype. Identifiers: MedGen CN230736.

Allele frequency attached by ClinVar (database versions not stated): gnomAD exomes 0.00001.

Submission:

Ambry Genetics
Classification: Uncertain significance for Cardiovascular phenotype. Last evaluated: 2022-01-11. Review status: criteria provided, single submitter. Criteria: Ambry Variant Classification Scheme 2023. Collection method: clinical testing. Allele origin: germline.
Comment: The p.G144S variant (also known as c.430G>A), located in coding exon 2 of the LMF1 gene, results from a G to A substitution at nucleotide position 430. The glycine at codon 144 is replaced by serine, an amino acid with similar properties. This amino acid position is conserved. In addition, this alteration is predicted to be tolerated by in silico analysis. Since supporting evidence is limited at this time, the clinical significance of this alteration remains unclear.

NM_022773.4(LMF1):c.430G>A (p.Gly144Ser)

Gene: LMF1 (lipase maturation factor 1; minus strand). Cytogenetic location: 16p13.3.
Variant type: single nucleotide variant.
Coding change: c.430G>A on transcript NM_022773.4 (MANE Select); coding-DNA position 430, G replaced by A.
Protein change: p.Gly144Ser; replaces glycine 144 with serine.
Molecular consequence: missense variant. On other transcripts: 5 prime UTR variant (3), non-coding transcript variant (1).
Genome position (GRCh38, 1-based): chr16:954,430, C>T on the plus strand (G>A on the coding strand, the complement: LMF1 is on the minus strand). VCF-style: chr16-954430-C-T. GRCh37 (hg19) VCF-style: chr16-1004430-C-T.
Other names: c.-374G>A (NM_001352017.2); c.-125G>A (NM_001352018.2); c.103G>A, p.Gly35Ser (NM_001352019.2); c.430G>A, p.Gly144Ser (NM_001352020.1); c.-276G>A (NM_001352021.2); short protein forms G35S, G144S.
Identifiers: ClinVar variation 1739621 (VCV001739621.2), dbSNP rs2548398528, ClinGen allele CA394104257.